The following is an entry in ClinVar:

NM_000065.5(C6):c.1378G>C (p.Gly460Arg)

Gene: C6 (complement C6; minus strand). Cytogenetic location: 5p13.1.
Variant type: single nucleotide variant.
Coding change: c.1378G>C on transcript NM_000065.5 (MANE Select); coding-DNA position 1378, G replaced by C.
Protein change: p.Gly460Arg; replaces glycine 460 with arginine.
Molecular consequence: missense variant.
Genome position (GRCh38, 1-based): chr5:41,161,773, C>G on the plus strand (G>C on the coding strand, the complement: C6 is on the minus strand). VCF-style: chr5-41161773-C-G. GRCh37 (hg19) VCF-style: chr5-41161875-C-G.
Other names: c.1378G>C, p.Gly460Arg (NM_001115131.4); c.1378G>C (NM_000065.2); short protein forms G460R.
Identifiers: ClinVar variation 1488843 (VCV001488843.6), dbSNP rs191044606, ClinGen allele CA3252481.
Genomic context (GRCh38, chr5:41,161,773, plus strand): 5'-GATTTTCCTTCACTGATTCTAACCACTCAGAAAATGTCTTCTCCTCCAGACCAGAGCTCC[C>G]TTTCTCCCATGCCAAAGCTGCTCCATATTCACTCCTTCCACCTCGAATCAGGGATATGGA-3'
Protein context (NP_000056.2, residues 450-470): EYGAALAWEK[Gly460Arg]SSGLEEKTFS

ClinVar aggregate classification (germline): Uncertain significance. Review status: criteria provided, multiple submitters, no conflicts (2 of 4 stars). 2 submissions from 2 submitters: Uncertain significance (2). Last evaluated 2025-03-03.

Conditions:
Inborn genetic diseases. Identifiers: MedGen C0950123, MeSH D030342.

Allele frequency attached by ClinVar (database versions not stated): ExAC 0.00001; gnomAD exomes 0.00001; 1000 Genomes Project 0.00020; 1000 Genomes Project 30x 0.00031.
gnomAD v4.1: 17 of 1,613,718 alleles (0.0011%); highest among the groups gnomAD compares: Middle Eastern, 0.033%; no homozygotes.

Submissions (2):

Ambry Genetics
Classification: Uncertain significance for Inborn genetic diseases. Last evaluated: 2025-03-03. Review status: criteria provided, single submitter. Criteria: Ambry Variant Classification Scheme 2023. Collection method: clinical testing. Allele origin: germline.

Labcorp Genetics (formerly Invitae), Labcorp
Classification: Uncertain significance. Last evaluated: 2021-09-01. Review status: criteria provided, single submitter. Criteria: Invitae Variant Classification Sherloc (09022015). Collection method: clinical testing. Allele origin: germline.
Comment: This sequence change replaces glycine with arginine at codon 460 of the C6 protein (p.Gly460Arg). The glycine residue is moderately conserved and there is a moderate physicochemical difference between glycine and arginine. This variant is present in population databases (rs191044606, ExAC 0.009%). This variant has not been reported in the literature in individuals affected with C6-related conditions. Algorithms developed to predict the effect of missense changes on protein structure and function are either unavailable or do not agree on the potential impact of this missense change (SIFT: "Tolerated"; PolyPhen-2: "Possibly Damaging"; Align-GVGD: "Class C0"). In summary, the available evidence is currently insufficient to determine the role of this variant in disease. Therefore, it has been classified as a Variant of Uncertain Significance.